The following is an entry in ClinVar:

ClinVar aggregate classification (germline): Pathogenic (1 of 4 stars; one submission).

Conditions:
Neonatal intrahepatic cholestasis due to citrin deficiency (CDNI). Also called: Neonatal-onset citrullinemia type II; Neonatal-onset citrullinemia type 2; Neonatal Intrahepatic Cholestasis Caused by Citrin Deficiency (NICCD); CITRIN DEFICIENCY, NEONATAL OR INFANTILE ONSET. Identifiers: Orphanet 247598, MedGen C1853942, MONDO:0011601, OMIM 605814.

Submission:

Juno Genomics, Hangzhou Juno Genomics, Inc
Classification: Pathogenic for Neonatal intrahepatic cholestasis due to citrin deficiency. Review status: criteria provided, single submitter. Criteria: ACMG Guidelines, 2015. Collection method: clinical testing. Allele origin: germline.
Comment: Absent from controls (or at extremely low frequency if recessive) in Genome Aggregation Database.;Null variant in a gene where loss of function (LOF) is a known mechanism of disease.;For recessive disorders, detected in trans with a pathogenic variant.;Patient's phenotype or family history is highly specific for a disease with a single genetic etiology.

NM_014251.3(SLC25A13):c.1381G>T (p.Glu461Ter)

Gene: SLC25A13 (solute carrier family 25 member 13; minus strand). Cytogenetic location: 7q21.3.
Variant type: single nucleotide variant.
Coding change: c.1381G>T on transcript NM_014251.3 (MANE Select); coding-DNA position 1381, G replaced by T.
Protein change: p.Glu461Ter; replaces glutamic acid 461 with a stop codon.
Molecular consequence: nonsense. On other transcripts: non-coding transcript variant (1).
Genome position (GRCh38, 1-based): chr7:96,146,627, C>A on the plus strand (G>T on the coding strand, the complement: SLC25A13 is on the minus strand). VCF-style: chr7-96146627-C-A. GRCh37 (hg19) VCF-style: chr7-95775939-C-A.
Other names: c.1384G>T, p.Glu462Ter (NM_001160210.2); short protein forms E462*, E461*.
Identifiers: ClinVar variation 5007247 (VCV005007247.2).